The following is an entry in ClinVar:

ClinVar aggregate classification (germline): Uncertain significance. Review status: criteria provided, multiple submitters, no conflicts (2 of 4 stars). 2 submissions from 2 submitters: Uncertain significance (2). Last evaluated 2025-12-02.

gnomAD v4.1: 14 of 1,593,302 alleles (0.00088%); highest among the groups gnomAD compares: South Asian, 0.0011%; no homozygotes.

Submissions (2):

Labcorp Genetics (formerly Invitae), Labcorp
Classification: Uncertain significance. Last evaluated: 2025-12-02. Review status: criteria provided, single submitter. Criteria: Invitae Variant Classification Sherloc (09022015). Collection method: clinical testing. Allele origin: germline.
Comment: This sequence change replaces isoleucine, which is neutral and non-polar, with threonine, which is neutral and polar, at codon 234 of the POLR3B protein (p.Ile234Thr). This variant is present in population databases (rs750692716, gnomAD 0.02%). This variant has not been reported in the literature in individuals affected with POLR3B-related conditions. ClinVar contains an entry for this variant (Variation ID: 3612074). Invitae Evidence Modeling of protein sequence and biophysical properties (such as structural, functional, and spatial information, amino acid conservation, physicochemical variation, residue mobility, and thermodynamic stability) indicates that this missense variant is not expected to disrupt POLR3B protein function with a negative predictive value of 80%. In summary, the available evidence is currently insufficient to determine the role of this variant in disease. Therefore, it has been classified as a Variant of Uncertain Significance.

Blueprint Genetics
Classification: Uncertain significance. Last evaluated: 2023-09-08. Review status: criteria provided, single submitter. Criteria: ACMG Guidelines, 2015. Collection method: clinical testing. Allele origin: germline.

NM_018082.6(POLR3B):c.701T>C (p.Ile234Thr)

Gene: POLR3B (RNA polymerase III subunit B; plus strand). Cytogenetic location: 12q23.3.
Variant type: single nucleotide variant.
Coding change: c.701T>C on transcript NM_018082.6 (MANE Select); coding-DNA position 701, T replaced by C.
Protein change: p.Ile234Thr; replaces isoleucine 234 with threonine.
Molecular consequence: missense variant.
Genome position (GRCh38, 1-based): chr12:106,380,117, T>C. VCF-style: chr12-106380117-T-C. GRCh37 (hg19) VCF-style: chr12-106773895-T-C.
Other names: c.527T>C, p.Ile176Thr (NM_001160708.2); short protein forms I176T, I234T.
Identifiers: ClinVar variation 3612074 (VCV003612074.3).